The following is an entry in ClinVar:

NM_000489.6(ATRX):c.5087_5089dup (p.Lys1696dup)

Gene: ATRX (ATRX chromatin remodeler; minus strand). Cytogenetic location: Xq21.1.
Variant type: Duplication.
Coding change: c.5087_5089dup on transcript NM_000489.6 (MANE Select); coding-DNA positions 5087 to 5089, 3 bases duplicated (AGA; older notation c.5087_5089dupAGA).
Protein change: p.Lys1696dup; duplicates lysine 1696.
Molecular consequence: inframe insertion.
Genome position (GRCh38, 1-based): chrX:77,633,252-77,633,254, TCT duplicated on the plus strand (AGA on the coding strand, the reverse complement: ATRX is on the minus strand); duplicating any 3 consecutive bases within chrX:77,633,252-77,633,256 gives the same sequence; the c. name uses the placement nearest the transcript's 3' end. VCF-style (leftmost placement, unchanged base first): chrX-77633251-C-CTCT. GRCh37 (hg19) VCF-style: chrX-76888739-C-CTCT.
Other names: c.4973_4975dup, p.Lys1658dup (NM_138270.5).
Identifiers: ClinVar variation 423085 (VCV000423085.2), dbSNP rs1557106446, ClinGen allele CA16621504.

ClinVar aggregate classification (germline): Uncertain significance (1 of 4 stars; one submission).

Submission:

GeneDx
Classification: Uncertain significance. Last evaluated: 2017-01-09. Review status: criteria provided, single submitter. Criteria: GeneDx Variant Classification (06012015). Collection method: clinical testing. Allele origin: germline. Affected: yes.
Comment: The c.5087_5089dupAGA variant in the ATRX gene has not been reported previously as a pathogenic variant nor as a benign variant, to our knowledge. The c.5087_5089dupAGA variant causes an in-frame duplication of one amnio acid, Lysine 1696, denoted p.Lys1696dup. The c.5087_5089dupAGA variant was not observed in approximately 6,500 individuals of European and African American ancestry in the NHLBI Exome Sequencing Project, indicating it is not a common benign variant in these populations. We interpret c.5087_5089dupAGA as a variant of uncertain significance.